The following is an entry in ClinVar:

ClinVar aggregate classification (germline): Conflicting classifications of pathogenicity. Review status: criteria provided, conflicting classifications (1 of 4 stars). 2 submissions from 2 submitters: Likely pathogenic (1); Uncertain significance (1). Last evaluated 2024-10-01.

Conditions:
PGM1-congenital disorder of glycosylation. Also called: Congenital disorder of glycosylation type 1t; CDG It; GSD XIV; PHOSPHOGLUCOMUTASE 1 DEFICIENCY; PGM1 DEFICIENCY; GLYCOGEN STORAGE DISEASE XIV. Identifiers: Orphanet 319646, MedGen C2752015, MONDO:0013968, OMIM 614921.

Submissions (2):

GeneDx
Classification: Likely pathogenic. Last evaluated: 2024-10-01. Review status: criteria provided, single submitter. Criteria: GeneDx Variant Classification Process June 2021. Collection method: clinical testing. Allele origin: germline.
Comment: Not observed at significant frequency in large population cohorts (gnomAD); In silico analysis supports that this missense variant has a deleterious effect on protein structure/function; This variant is associated with the following publications: (PMID: 30982613, 31307013, 33342467)

Labcorp Genetics (formerly Invitae), Labcorp
Classification: Uncertain significance for PGM1-congenital disorder of glycosylation. Last evaluated: 2022-05-24. Review status: criteria provided, single submitter. Criteria: Invitae Variant Classification Sherloc (09022015). Collection method: clinical testing. Allele origin: germline.
Comment: In summary, the available evidence is currently insufficient to determine the role of this variant in disease. Therefore, it has been classified as a Variant of Uncertain Significance. Algorithms developed to predict the effect of missense changes on protein structure and function are either unavailable or do not agree on the potential impact of this missense change (SIFT: "Deleterious"; PolyPhen-2: "Probably Damaging"; Align-GVGD: "Class C15"). ClinVar contains an entry for this variant (Variation ID: 471070). This missense change has been observed in individual(s) with clinical features of PGM1-congenital disorder of glycosylation (PMID: 33342467; Invitae). This variant is not present in population databases (gnomAD no frequency). This sequence change replaces serine, which is neutral and polar, with arginine, which is basic and polar, at codon 338 of the PGM1 protein (p.Ser338Arg).

Literature cited by the submitters: PubMed 33342467 (cited by Labcorp Genetics (formerly Invitae), Labcorp).

NM_002633.3(PGM1):c.1014T>A (p.Ser338Arg)

Gene: PGM1 (phosphoglucomutase 1; plus strand). Cytogenetic location: 1p31.3.
Variant type: single nucleotide variant.
Coding change: c.1014T>A on transcript NM_002633.3 (MANE Select); coding-DNA position 1014, T replaced by A.
Protein change: p.Ser338Arg; replaces serine 338 with arginine.
Molecular consequence: missense variant.
Genome position (GRCh38, 1-based): chr1:63,636,374, T>A. VCF-style: chr1-63636374-T-A. GRCh37 (hg19) VCF-style: chr1-64102045-T-A.
Other names: c.1068T>A, p.Ser356Arg (NM_001172818.1); c.423T>A, p.Ser141Arg (NM_001172819.2); short protein forms S338R, S141R, S356R.
Identifiers: ClinVar variation 471070 (VCV000471070.12), dbSNP rs1553121290, ClinGen allele CA340636216.